The following is an entry in ClinVar:

NM_000101.4(CYBA):c.74G>T (p.Gly25Val)

Gene: CYBA (cytochrome b-245 alpha chain; minus strand). Cytogenetic location: 16q24.2.
Variant type: single nucleotide variant.
Coding change: c.74G>T on transcript NM_000101.4 (MANE Select); coding-DNA position 74, G replaced by T.
Protein change: p.Gly25Val; replaces glycine 25 with valine.
Molecular consequence: missense variant.
Genome position (GRCh38, 1-based): chr16:88,648,099, C>A on the plus strand (G>T on the coding strand, the complement: CYBA is on the minus strand). VCF-style: chr16-88648099-C-A. GRCh37 (hg19) VCF-style: chr16-88714507-C-A.
Other names: c.74G>T (LRG_52t1); short protein forms G25V.
Identifiers: ClinVar variation 68213 (VCV000068213.4), dbSNP rs179363891, ClinGen allele CA219180.

ClinVar aggregate classification (germline): Uncertain significance. Review status: criteria provided, single submitter (1 of 4 stars). 2 submissions from 2 submitters: Uncertain significance (1). 1 of the submissions does not count toward it. Last evaluated 2025-04-15.

gnomAD v4.1: 3 of 1,612,134 alleles (0.00019%); highest among the groups gnomAD compares: South Asian, 0.0011%; no homozygotes.

Submissions (2):

Women's Health and Genetics/Laboratory Corporation of America, LabCorp
Classification: Uncertain significance. Last evaluated: 2025-04-15. Review status: criteria provided, single submitter. Criteria: LabCorp Variant Classification Summary - May 2015. Collection method: clinical testing. Allele origin: germline.
Comment: Variant summary: CYBA c.74G>T (p.Gly25Val) results in a non-conservative amino acid change in the encoded protein sequence. Five of five in-silico tools predict a damaging effect of the variant on protein function. The frequency data for this variant in gnomAD is considered unreliable, as metrics indicate poor data quality at this position. c.74G>T has been reported in the literature as a compound heterozygous genotype in at-least one individual affected with Chronic Granulomatous Disease in whom no protein could be detected in the patient's neutrophils (Rae_2000 cited in Roos_2021). These data do not allow any conclusion about variant significance. To our knowledge, no experimental evidence demonstrating an impact on protein function has been reported. The following publications have been ascertained in the context of this evaluation (PMID: 10910929, 34547651). ClinVar contains an entry for this variant (Variation ID: 68213). Based on the evidence outlined above, the variant was classified as VUS-possibly pathogenic.

UniProtKB/Swiss-Prot
No classification provided. Review status: no classification provided. Collection method: not provided. Allele origin: germline. Not counted in ClinVar's aggregate classification.

Literature cited by the submitters: PubMed 10910929 (cited by Women's Health and Genetics/Laboratory Corporation of America, LabCorp); PubMed 34547651 (cited by Women's Health and Genetics/Laboratory Corporation of America, LabCorp).